The following is an entry in ClinVar:

NM_017780.4(CHD7):c.8452_8454dup (p.Asn2818dup)

Gene: CHD7 (chromodomain helicase DNA binding protein 7; plus strand). Cytogenetic location: 8q12.2.
Variant type: Duplication.
Coding change: c.8452_8454dup on transcript NM_017780.4 (MANE Select); coding-DNA positions 8452 to 8454, 3 bases duplicated (AAC; older notation c.8452_8454dupAAC).
Protein change: p.Asn2818dup; duplicates asparagine 2818.
Molecular consequence: inframe insertion.
Genome position (GRCh38, 1-based): chr8:60,865,391-60,865,393, AAC duplicated. VCF-style (leftmost placement, unchanged base first): chr8-60865390-T-TAAC. GRCh37 (hg19) VCF-style: chr8-61777949-T-TAAC.
Other names: c.2305_2307dup, p.Asn769dup (NM_001316690.1).
Identifiers: ClinVar variation 1487749 (VCV001487749.9), dbSNP rs1443281585, ClinGen allele CA582403679.

ClinVar aggregate classification (germline): Uncertain significance. Review status: criteria provided, multiple submitters, no conflicts (2 of 4 stars). 2 submissions from 2 submitters: Uncertain significance (2). Last evaluated 2021-05-13.

Conditions:
CHARGE syndrome (CHARGE). Also called: Coloboma, heart anomaly, choanal atresia, retardation, genital and ear anomalies; CHARGE association; Hall-Hittner syndrome; Hittner Hirsch Kreh syndrome; CHARGE ASSOCIATION--COLOBOMA, HEART ANOMALY, CHOANAL ATRESIA, RETARDATION, GENITAL AND EAR ANOMALIES. Identifiers: Orphanet 138, MedGen C0265354, MONDO:0008965.

Allele frequency attached by ClinVar (database versions not stated): gnomAD exomes below 0.00001; TOPMed below 0.00001; gnomAD 0.00001.

Submissions (2):

Labcorp Genetics (formerly Invitae), Labcorp
Classification: Uncertain significance for CHARGE syndrome. Last evaluated: 2021-05-13. Review status: criteria provided, single submitter. Criteria: Invitae Variant Classification Sherloc (09022015). Collection method: clinical testing. Allele origin: germline.
Comment: In summary, the available evidence is currently insufficient to determine the role of this variant in disease. Therefore, it has been classified as a Variant of Uncertain Significance. Experimental studies and prediction algorithms are not available or were not evaluated, and the functional significance of this variant is currently unknown. This variant has not been reported in the literature in individuals with CHD7-related conditions. This variant is not present in population databases (ExAC no frequency). This variant, c.8452_8454dup, results in the insertion of 1 amino acid(s) to the CHD7 protein (p.Asn2818dup), but otherwise preserves the integrity of the reading frame.

Blueprint Genetics
Classification: Uncertain significance. Last evaluated: 2019-12-10. Review status: criteria provided, single submitter. Criteria: ACMG Guidelines, 2015. Collection method: clinical testing. Allele origin: germline.